The following is an entry in ClinVar:

ClinVar aggregate classification (germline): Uncertain significance (1 of 4 stars; one submission).

Submission:

GeneDx
Classification: Uncertain significance. Last evaluated: 2026-03-19. Review status: criteria provided, single submitter. Criteria: GeneDx Variant Classification Process June 2021. Collection method: clinical testing. Allele origin: germline.
Comment: Not observed at significant frequency in large population cohorts (gnomAD); In silico analysis suggests that this missense variant does not alter protein structure/function; Has not been previously published as pathogenic or benign to our knowledge

NM_017635.5(KMT5B):c.1339C>T (p.Pro447Ser)

Gene: KMT5B (lysine methyltransferase 5B; minus strand). Cytogenetic location: 11q13.2.
Variant type: single nucleotide variant.
Coding change: c.1339C>T on transcript NM_017635.5 (MANE Select); coding-DNA position 1339, C replaced by T.
Protein change: p.Pro447Ser; replaces proline 447 with serine.
Molecular consequence: missense variant.
Genome position (GRCh38, 1-based): chr11:68,159,007, G>A on the plus strand (C>T on the coding strand, the complement: KMT5B is on the minus strand). VCF-style: chr11-68159007-G-A. GRCh37 (hg19) VCF-style: chr11-67926474-G-A.
Other names: c.823C>T, p.Pro275Ser (NM_001300907.1, NM_001369428.1, NM_001369429.1 and 4 more transcripts); c.619C>T, p.Pro207Ser (NM_001300908.2); c.1339C>T, p.Pro447Ser (NM_001369426.1); short protein forms P207S, P447S, P275S.
Identifiers: ClinVar variation 5009504 (VCV005009504.1).
Genomic context (GRCh38, chr11:68,159,007, plus strand): 5'-AAGCATTCTTTTGCTCCAGCCGCTTGCAATGATTTCTCAATTTTATCTTTGAAAGTAAAG[G>A]CTTTGCAGGCTTCTTCAGTTTCTTTGGTACCCTGGAATTATTTATATGAGTTAGCTTAGA-3'
Protein context (NP_060105.3, residues 437-457): VPKKLKKPAK[Pro447Ser]LLSKIKLRNH